The following is an entry in ClinVar:

ClinVar aggregate classification (germline): Uncertain significance. Review status: criteria provided, single submitter (1 of 4 stars). 2 submissions from 2 submitters: Uncertain significance (1). 1 of the submissions does not count toward it. Last evaluated 2022-08-30.

Conditions:
Inborn genetic diseases. Identifiers: MedGen C0950123, MeSH D030342.
GLUL-related disorder. Also called: GLUL-related condition.

Allele frequency attached by ClinVar (database versions not stated): TOPMed below 0.00001; gnomAD 0.00001; gnomAD exomes 0.00001.
gnomAD v4.1: 8 of 1,610,444 alleles (0.0005%); highest among the groups gnomAD compares: African/African-American, 0.0013%; no homozygotes.

Submissions (2):

Ambry Genetics
Classification: Uncertain significance for Inborn genetic diseases. Last evaluated: 2022-08-30. Review status: criteria provided, single submitter. Criteria: Ambry Variant Classification Scheme 2023. Collection method: clinical testing. Allele origin: germline.
Comment: The c.167-3C>T intronic alteration consists of a C to T substitution 3 nucleotides before exon 4 (coding exon 2) of the GLUL gene. Based on insufficient or conflicting evidence, the clinical significance of this alteration remains unclear.

PreventionGenetics, part of Exact Sciences
Classification: Likely benign for GLUL-related condition. Last evaluated: 2023-01-24. Review status: no assertion criteria provided. Collection method: clinical testing. Allele origin: germline. Not counted in ClinVar's aggregate classification.
Comment: This variant is classified as likely benign based on ACMG/AMP sequence variant interpretation guidelines (Richards et al. 2015 PMID: 25741868, with internal and published modifications).

NM_001033044.4(GLUL):c.167-3C>T

Gene: GLUL (glutamate-ammonia ligase; minus strand). Cytogenetic location: 1q25.3.
Variant type: single nucleotide variant.
Coding change: c.167-3C>T on transcript NM_001033044.4 (MANE Select); 3 bases into the intron before coding-DNA position 167, C replaced by T.
Molecular consequence: intron variant.
Genome position (GRCh38, 1-based): chr1:182,387,295, G>A on the plus strand (C>T on the coding strand, the complement: GLUL is on the minus strand). VCF-style: chr1-182387295-G-A. GRCh37 (hg19) VCF-style: chr1-182356430-G-A.
Other names: c.167-3C>T (NM_002065.7, NM_001033056.4, NM_002065.6).
Identifiers: ClinVar variation 2303114 (VCV002303114.4), dbSNP rs113454052, ClinGen allele CA527232423.